The following is an entry in ClinVar:

NM_001873.4(CPE):c.43G>A (p.Ala15Thr)

Genes: CPE (carboxypeptidase E; plus strand), LOC129993339 (ATAC-STARR-seq lymphoblastoid silent region 15785; plus strand). Cytogenetic location: 4q32.3.
Variant type: single nucleotide variant.
Coding change: c.43G>A on transcript NM_001873.4 (MANE Select); coding-DNA position 43, G replaced by A.
Protein change: p.Ala15Thr; replaces alanine 15 with threonine.
Molecular consequence: missense variant.
Genome position (GRCh38, 1-based): chr4:165,379,264, G>A. VCF-style: chr4-165379264-G-A. GRCh37 (hg19) VCF-style: chr4-166300416-G-A.
Other names: c.43G>A (NM_001873.3); short protein forms A15T.
Identifiers: ClinVar variation 1903684 (VCV001903684.6), dbSNP rs1188254668, ClinGen allele CA358679946.
Genomic context (GRCh38, chr4:165,379,264, plus strand): 5'-CGGCGGCGGAGCGCAGCGATGGCCGGGCGAGGGGGCAGCGCGCTGCTGGCTCTGTGCGGG[G>A]CACTGGCTGCCTGCGGGTGGCTCCTGGGCGCCGAAGCCCAGGAGCCCGGGGCGCCCGCGG-3'
Protein context (NP_001864.1, residues 5-25): GGSALLALCG[Ala15Thr]LAACGWLLGA

ClinVar aggregate classification (germline): Uncertain significance. Review status: criteria provided, multiple submitters, no conflicts (2 of 4 stars). 2 submissions from 2 submitters: Uncertain significance (2). Last evaluated 2024-12-12.

Conditions:
CPE-related disorder. Also called: CPE-related condition.

Allele frequency attached by ClinVar (database versions not stated): gnomAD exomes below 0.00001; gnomAD 0.00001; TOPMed 0.00001.
gnomAD v4.1: 5 of 1,447,132 alleles (0.00035%); highest among the groups gnomAD compares: Non-Finnish European, 0.00036%; no homozygotes.

Submissions (2):

PreventionGenetics, part of Exact Sciences
Classification: Uncertain significance for CPE-related condition. Last evaluated: 2024-12-12. Review status: criteria provided, single submitter. Criteria: ACMG Guidelines, 2015. Collection method: clinical testing. Allele origin: germline.
Comment: The CPE c.43G>A variant is predicted to result in the amino acid substitution p.Ala15Thr. To our knowledge, this variant has not been reported in the literature or in a large population database (gnomAD), indicating this variant is rare. At this time, the clinical significance of this variant is uncertain due to the absence of conclusive functional and genetic evidence.

Labcorp Genetics (formerly Invitae), Labcorp
Classification: Uncertain significance. Last evaluated: 2022-07-08. Review status: criteria provided, single submitter. Criteria: Invitae Variant Classification Sherloc (09022015). Collection method: clinical testing. Allele origin: germline.
Comment: This sequence change replaces alanine, which is neutral and non-polar, with threonine, which is neutral and polar, at codon 15 of the CPE protein (p.Ala15Thr). This variant is not present in population databases (gnomAD no frequency). This variant has not been reported in the literature in individuals affected with CPE-related conditions. Algorithms developed to predict the effect of missense changes on protein structure and function output the following: SIFT: "Not Available"; PolyPhen-2: "Not Available"; Align-GVGD: "Not Available". The threonine amino acid residue is found in multiple mammalian species, which suggests that this missense change does not adversely affect protein function. In summary, the available evidence is currently insufficient to determine the role of this variant in disease. Therefore, it has been classified as a Variant of Uncertain Significance.